The following is an entry in ClinVar:

NM_173354.5(SIK1):c.2153C>T (p.Ala718Val)

Gene: SIK1 (salt inducible kinase 1; minus strand). Cytogenetic location: 21q22.3.
Variant type: single nucleotide variant.
Coding change: c.2153C>T on transcript NM_173354.5 (MANE Select); coding-DNA position 2153, C replaced by T.
Protein change: p.Ala718Val; replaces alanine 718 with valine.
Molecular consequence: missense variant.
Genome position (GRCh38, 1-based): chr21:43,416,941, G>A on the plus strand (C>T on the coding strand, the complement: SIK1 is on the minus strand). VCF-style: chr21-43416941-G-A. GRCh37 (hg19) VCF-style: chr21-44836821-G-A.
Other names: short protein forms A718V.
Identifiers: ClinVar variation 947060 (VCV000947060.8), dbSNP rs772137462, ClinGen allele CA321324401.

ClinVar aggregate classification (germline): Uncertain significance (1 of 4 stars; one submission).

Conditions:
Developmental and epileptic encephalopathy, 30 (DEE30). Also called: Epileptic encephalopathy, early infantile, 30. Identifiers: MedGen C4225360, MONDO:0014595, OMIM 616341.

Allele frequency attached by ClinVar (database versions not stated): ExAC below 0.00001; gnomAD exomes 0.00001.

Submission:

Labcorp Genetics (formerly Invitae), Labcorp
Classification: Uncertain significance for Developmental and epileptic encephalopathy, 30. Last evaluated: 2024-07-22. Review status: criteria provided, single submitter. Criteria: Invitae Variant Classification Sherloc (09022015). Collection method: clinical testing. Allele origin: germline.
Comment: This sequence change replaces alanine, which is neutral and non-polar, with valine, which is neutral and non-polar, at codon 718 of the SIK1 protein (p.Ala718Val). This variant is present in population databases (rs772137462, gnomAD 0.02%). This variant has not been reported in the literature in individuals affected with SIK1-related conditions. ClinVar contains an entry for this variant (Variation ID: 947060). Advanced modeling of protein sequence and biophysical properties (such as structural, functional, and spatial information, amino acid conservation, physicochemical variation, residue mobility, and thermodynamic stability) performed at Invitae indicates that this missense variant is not expected to disrupt SIK1 protein function with a negative predictive value of 95%. In summary, the available evidence is currently insufficient to determine the role of this variant in disease. Therefore, it has been classified as a Variant of Uncertain Significance.